The following is an entry in ClinVar:

NM_001308093.3(GATA4):c.1308T>A (p.Ser436Arg)

Gene: GATA4 (GATA binding protein 4). Cytogenetic location: 8p23.1.
Variant type: single nucleotide variant.
Coding change: c.1308T>A on transcript NM_001308093.3 (MANE Select); coding-DNA position 1308, T replaced by A.
Protein change: p.Ser436Arg; replaces serine 436 with arginine.
Molecular consequence: missense variant.
Genome position (GRCh38, 1-based): chr8:11,758,451, T>A. VCF-style: chr8-11758451-T-A. GRCh37 (hg19) VCF-style: chr8-11615960-T-A.
Other names: c.687T>A, p.Ser229Arg (NM_001308094.2, NM_001374273.1); c.561T>A, p.Ser187Arg (NM_001374274.1); c.1305T>A, p.Ser435Arg (NM_002052.5); short protein forms S229R, S435R, S187R, S436R.
Identifiers: ClinVar variation 2043221 (VCV002043221.5), dbSNP rs769268482, ClinGen allele CA4630909.

ClinVar aggregate classification (germline): Uncertain significance. Review status: criteria provided, multiple submitters, no conflicts (2 of 4 stars). 2 submissions from 2 submitters: Uncertain significance (2). Last evaluated 2025-08-12.

Conditions:
Atrioventricular septal defect 4 (AVSD4). Identifiers: MedGen C3280781, MONDO:0013747, OMIM 614430.

Allele frequency attached by ClinVar (database versions not stated): ExAC 0.00002.
gnomAD v4.1: 10 of 1,614,190 alleles (0.00062%); highest among the groups gnomAD compares: Non-Finnish European, 0.00085%; no homozygotes.

Submissions (2):

Labcorp Genetics (formerly Invitae), Labcorp
Classification: Uncertain significance for Atrioventricular septal defect 4. Last evaluated: 2025-08-12. Review status: criteria provided, single submitter. Criteria: Invitae Variant Classification Sherloc (09022015). Collection method: clinical testing. Allele origin: germline.
Comment: This sequence change replaces serine, which is neutral and polar, with arginine, which is basic and polar, at codon 435 of the GATA4 protein (p.Ser435Arg). This variant is present in population databases (rs769268482, gnomAD 0.003%). This variant has not been reported in the literature in individuals affected with GATA4-related conditions. ClinVar contains an entry for this variant (Variation ID: 2043221). Invitae Evidence Modeling of protein sequence and biophysical properties (such as structural, functional, and spatial information, amino acid conservation, physicochemical variation, residue mobility, and thermodynamic stability) indicates that this missense variant is not expected to disrupt GATA4 protein function with a negative predictive value of 95%. In summary, the available evidence is currently insufficient to determine the role of this variant in disease. Therefore, it has been classified as a Variant of Uncertain Significance.

Blueprint Genetics
Classification: Uncertain significance. Last evaluated: 2019-12-09. Review status: criteria provided, single submitter. Criteria: ACMG Guidelines, 2015. Collection method: clinical testing. Allele origin: germline.